The following is an entry in ClinVar:

ClinVar aggregate classification (germline): Uncertain significance (1 of 4 stars; one submission).

gnomAD v4.1: 3 of 1,607,296 alleles (0.00019%); highest among the groups gnomAD compares: African/African-American, 0.004%; no homozygotes.

Submission:

Labcorp Genetics (formerly Invitae), Labcorp
Classification: Uncertain significance. Last evaluated: 2024-07-19. Review status: criteria provided, single submitter. Criteria: Invitae Variant Classification Sherloc (09022015). Collection method: clinical testing. Allele origin: germline.
Comment: This sequence change creates a premature translational stop signal (p.Trp20*) in the IL23R gene. It is expected to result in an absent or disrupted protein product. However, the current clinical and genetic evidence is not sufficient to establish whether loss-of-function variants in IL23R cause disease. This variant is present in population databases (rs765086515, gnomAD 0.008%). This variant has not been reported in the literature in individuals affected with IL23R-related conditions. In summary, the available evidence is currently insufficient to determine the role of this variant in disease. Therefore, it has been classified as a Variant of Uncertain Significance.

NM_144701.3(IL23R):c.59G>A (p.Trp20Ter)

Gene: IL23R (interleukin 23 receptor; plus strand). Cytogenetic location: 1p31.3.
Variant type: single nucleotide variant.
Coding change: c.59G>A on transcript NM_144701.3 (MANE Select); coding-DNA position 59, G replaced by A.
Protein change: p.Trp20Ter; replaces tryptophan 20 with a stop codon.
Molecular consequence: nonsense.
Genome position (GRCh38, 1-based): chr1:67,168,179, G>A. VCF-style: chr1-67168179-G-A. GRCh37 (hg19) VCF-style: chr1-67633862-G-A.
Other names: short protein forms W20*.
Identifiers: ClinVar variation 3699074 (VCV003699074.2).